The following is an entry in ClinVar:

NM_001012720.2(RGR):c.793T>C (p.Tyr265His)

Gene: RGR (retinal G protein coupled receptor; plus strand). Cytogenetic location: 10q23.1.
Variant type: single nucleotide variant.
Coding change: c.793T>C on transcript NM_001012720.2 (MANE Select); coding-DNA position 793, T replaced by C.
Protein change: p.Tyr265His; replaces tyrosine 265 with histidine.
Molecular consequence: missense variant.
Genome position (GRCh38, 1-based): chr10:84,258,556, T>C. VCF-style: chr10-84258556-T-C. GRCh37 (hg19) VCF-style: chr10-86018312-T-C.
Other names: c.679T>C, p.Tyr227His (NM_001012722.2); c.805T>C, p.Tyr269His (NM_002921.4); short protein forms Y227H, Y269H, Y265H.
Identifiers: ClinVar variation 1996741 (VCV001996741.4), dbSNP rs2492652699, ClinGen allele CA377392386.

ClinVar aggregate classification (germline): Uncertain significance (1 of 4 stars; one submission).

Submission:

Labcorp Genetics (formerly Invitae), Labcorp
Classification: Uncertain significance. Last evaluated: 2022-05-20. Review status: criteria provided, single submitter. Criteria: Invitae Variant Classification Sherloc (09022015). Collection method: clinical testing. Allele origin: germline.
Comment: In summary, the available evidence is currently insufficient to determine the role of this variant in disease. Therefore, it has been classified as a Variant of Uncertain Significance. Algorithms developed to predict the effect of missense changes on protein structure and function are either unavailable or do not agree on the potential impact of this missense change (SIFT: "Deleterious"; PolyPhen-2: "Not Available"; Align-GVGD: "Class C0"). This variant has not been reported in the literature in individuals affected with RGR-related conditions. This variant is not present in population databases (gnomAD no frequency). This sequence change replaces tyrosine, which is neutral and polar, with histidine, which is basic and polar, at codon 265 of the RGR protein (p.Tyr265His).